The following is an entry in ClinVar:

NM_152393.4(KLHL40):c.1825C>T (p.Leu609=)

Gene: KLHL40 (kelch like family member 40; plus strand). Cytogenetic location: 3p22.1.
Variant type: single nucleotide variant.
Coding change: c.1825C>T on transcript NM_152393.4 (MANE Select); coding-DNA position 1825, C replaced by T.
Protein change: p.Leu609=; no amino-acid change (leucine 609 retained).
Molecular consequence: synonymous variant.
Genome position (GRCh38, 1-based): chr3:42,691,952, C>T. VCF-style: chr3-42691952-C-T. GRCh37 (hg19) VCF-style: chr3-42733444-C-T.
Identifiers: ClinVar variation 702334 (VCV000702334.32), dbSNP rs200908056, ClinGen allele CA2337108.

ClinVar aggregate classification (germline): Benign/Likely benign. Review status: criteria provided, multiple submitters, no conflicts (2 of 4 stars). 2 submissions from 2 submitters: Benign (1); Likely benign (1). Last evaluated 2026-01-14.

Conditions:
Nemaline myopathy 8 (NEM8). Also called: Nemaline myopathy 8, autosomal recessive. Identifiers: Orphanet 171430, MedGen C3809209, MONDO:0014138, OMIM 615348.

Allele frequency attached by ClinVar (database versions not stated): gnomAD 0.00001 and 0.00017; TOPMed 0.00002; gnomAD exomes 0.00023 and 0.00045; ExAC 0.00054; 1000 Genomes Project 30x 0.00062; 1000 Genomes Project 0.00080.
gnomAD v4.1: 363 of 1,613,596 alleles (0.022%); highest among the groups gnomAD compares: South Asian, 0.37%; 3 homozygotes.

Submissions (2):

Labcorp Genetics (formerly Invitae), Labcorp
Classification: Benign for Nemaline myopathy 8. Last evaluated: 2026-01-14. Review status: criteria provided, single submitter. Criteria: Invitae Variant Classification Sherloc (09022015). Collection method: clinical testing. Allele origin: germline.

CeGaT Center for Human Genetics Tuebingen
Classification: Likely benign. Last evaluated: 2025-10-01. Review status: criteria provided, single submitter. Criteria: CeGaT Center For Human Genetics Tuebingen Variant Classification Criteria Version 2. Collection method: clinical testing. Allele origin: germline. Affected: yes. Observed: 2 variant alleles.
Comment: KLHL40: BP4, BP7